The following is an entry in ClinVar:

ClinVar aggregate classification (germline): Pathogenic (1 of 4 stars; one submission).

Conditions:
Abetalipoproteinaemia (ABL). Also called: MTP DEFICIENCY; Abetalipoproteinemia; Abetalipoproteinemia neuropathy; Apolipoprotein B deficiency; Congenital betalipoprotein deficiency syndrome. Identifiers: Orphanet 14, MedGen C0000744, MONDO:0008692, OMIM 200100, HP:0008181.

Submission:

Myriad Genetics, Inc.
Classification: Pathogenic for Abetalipoproteinaemia. Last evaluated: 2024-05-14. Review status: criteria provided, single submitter. Criteria: Myriad Autosomal Dominant, Autosomal Recessive and X-Linked Classification Criteria (2023). Collection method: clinical testing. Allele origin: unknown.
Comment: NM_000253.2(MTTP):c.757del1ins11(K253Sfs*4) is expected to be pathogenic in the context of abetalipoproteinemia. This variant is predicted to lead to an abnormal or absent protein product due to the creation of a premature termination codon in MTTP, a gene where loss-of-function variants are known to be pathogenic. Please note: this variant was assessed in the context of healthy population screening.

NM_001386140.1(MTTP):c.757delinsTCGTGCTGCTG (p.Lys253delinsSerCysCysTer)

Gene: MTTP (microsomal triglyceride transfer protein; plus strand). Cytogenetic location: 4q23.
Variant type: Indel.
Coding change: c.757delinsTCGTGCTGCTG on transcript NM_001386140.1 (MANE Select); coding-DNA position 757, A replaced by TCGTGCTGCTG.
Protein change: p.Lys253delinsSerCysCysTer.
Molecular consequence: nonsense.
Genome position (GRCh38, 1-based): chr4:99,591,789, A replaced by TCGTGCTGCTG. VCF-style: chr4-99591789-A-TCGTGCTGCTG. GRCh37 (hg19) VCF-style: chr4-100512946-A-TCGTGCTGCTG.
Other names: c.757delinsTCGTGCTGCTG, p.Lys253delinsSerCysCysTer (NM_000253.4); c.508delinsTCGTGCTGCTG, p.Lys170delinsSerCysCysTer (NM_001300785.2).
Identifiers: ClinVar variation 5010838 (VCV005010838.1).